The following is an entry in ClinVar:

ClinVar aggregate classification (germline): Uncertain significance (1 of 4 stars; one submission).

Conditions:
KBG syndrome (KBGS). Also called: ANKRD11-Related KBG Syndrome. Identifiers: Orphanet 2332, MedGen C0220687, MONDO:0007846, OMIM 148050.

Submission:

Centre for Mendelian Genomics, University Medical Centre Ljubljana
Classification: Uncertain significance for KBG syndrome. Last evaluated: 2018-11-01. Review status: criteria provided, single submitter. Criteria: ACMG Guidelines, 2015. Collection method: clinical testing. Allele origin: unknown. Affected: yes.
Comment: This variant was classified as: Uncertain significance. The available evidence on this variant's pathogenicity is insufficient or conflicting. The following ACMG criteria were applied in classifying this variant: PM2,PP3.

NM_013275.6(ANKRD11):c.324C>G (p.Gly108=)

Gene: ANKRD11 (ankyrin repeat domain 11; minus strand). Cytogenetic location: 16q24.3.
Variant type: single nucleotide variant.
Coding change: c.324C>G on transcript NM_013275.6 (MANE Select); coding-DNA position 324, C replaced by G.
Protein change: p.Gly108=; no amino-acid change (glycine 108 retained).
Molecular consequence: synonymous variant. On other transcripts: non-coding transcript variant (1).
Genome position (GRCh38, 1-based): chr16:89,291,086, G>C on the plus strand (C>G on the coding strand, the complement: ANKRD11 is on the minus strand). VCF-style: chr16-89291086-G-C. GRCh37 (hg19) VCF-style: chr16-89357494-G-C.
Other names: c.324C>G, p.Gly108= (NM_001256182.2, NM_001256183.2).
Identifiers: ClinVar variation 931836 (VCV000931836.3), dbSNP rs2035032280, ClinGen allele CA497171153.
Genomic context (GRCh38, chr16:89,291,086, plus strand): 5'-AGACTCCTCGGCCGTCATCTGCATGAGAAGGGCCACCTGCTGGCGCTCGGAGAGGGGGTA[G>C]CCGGCTCGGATTCCAGACAGCCCCATGCCAAACAGCAGCCCGGCCTTCCGGGTGACAGGC-3'
Protein context (NP_037407.4, residues 98-118): FGMGLSGIRA[Gly108=]YPLSERQQVA